The following is an entry in ClinVar:

NM_004998.4(MYO1E):c.718C>T (p.Leu240Phe)

Gene: MYO1E (myosin IE; minus strand). Cytogenetic location: 15q22.2.
Variant type: single nucleotide variant.
Coding change: c.718C>T on transcript NM_004998.4 (MANE Select); coding-DNA position 718, C replaced by T.
Protein change: p.Leu240Phe; replaces leucine 240 with phenylalanine.
Molecular consequence: missense variant.
Genome position (GRCh38, 1-based): chr15:59,224,748, G>A on the plus strand (C>T on the coding strand, the complement: MYO1E is on the minus strand). VCF-style: chr15-59224748-G-A. GRCh37 (hg19) VCF-style: chr15-59516947-G-A.
Other names: short protein forms L240F.
Identifiers: ClinVar variation 1347445 (VCV001347445.8), dbSNP rs1269353482, ClinGen allele CA392642994.
Genomic context (GRCh38, chr15:59,224,748, plus strand): 5'-CCAGAGTTTCCTGAAACTCCCGCCTGTCGTCAATGTCATCAACCTTGTATGAGCCCGAGA[G>A]GCTCAGGTAGTAATAATAGTCCATGCTGGTGATGCCAAGGCTGTGTTTCTGCTCTGCAGA-3'
Protein context (NP_004989.2, residues 230-250): TSMDYYYYLS[Leu240Phe]SGSYKVDDID

ClinVar aggregate classification (germline): Uncertain significance (1 of 4 stars; one submission).

Allele frequency attached by ClinVar (database versions not stated): gnomAD exomes below 0.00001 and 0.00002; TOPMed 0.00001.
gnomAD v4.1: 6 of 1,614,214 alleles (0.00037%); highest among the groups gnomAD compares: East Asian, 0.011%; no homozygotes.

Submission:

Labcorp Genetics (formerly Invitae), Labcorp
Classification: Uncertain significance. Last evaluated: 2021-04-22. Review status: criteria provided, single submitter. Criteria: Invitae Variant Classification Sherloc (09022015). Collection method: clinical testing. Allele origin: germline.
Comment: In summary, the available evidence is currently insufficient to determine the role of this variant in disease. Therefore, it has been classified as a Variant of Uncertain Significance. Algorithms developed to predict the effect of missense changes on protein structure and function are either unavailable or do not agree on the potential impact of this missense change (SIFT: "Tolerated"; PolyPhen-2: "Possibly Damaging"; Align-GVGD: "Class C0"). This variant has not been reported in the literature in individuals with MYO1E-related conditions. This variant is not present in population databases (ExAC no frequency). This sequence change replaces leucine with phenylalanine at codon 240 of the MYO1E protein (p.Leu240Phe). The leucine residue is moderately conserved and there is a small physicochemical difference between leucine and phenylalanine.